The following is an entry in ClinVar:

NM_016011.5(MECR):c.34A>C (p.Thr12Pro)

Gene: MECR (mitochondrial trans-2-enoyl-CoA reductase; minus strand). Cytogenetic location: 1p35.3.
Variant type: single nucleotide variant.
Coding change: c.34A>C on transcript NM_016011.5 (MANE Select); coding-DNA position 34, A replaced by C.
Protein change: p.Thr12Pro; replaces threonine 12 with proline.
Molecular consequence: missense variant. On other transcripts: 5 prime UTR variant (6), non-coding transcript variant (4).
Genome position (GRCh38, 1-based): chr1:29,230,873, T>G on the plus strand (A>C on the coding strand, the complement: MECR is on the minus strand). VCF-style: chr1-29230873-T-G. GRCh37 (hg19) VCF-style: chr1-29557385-T-G.
Other names: c.-322A>C (NM_001024732.4); c.-526A>C (NM_001349711.2); c.-527A>C (NM_001349712.2); c.-404A>C (NM_001349713.2); c.-316A>C (NM_001349714.2); c.34A>C, p.Thr12Pro (NM_001349715.2, NM_001349716.2); c.-109A>C (NM_001349717.2); short protein forms T12P.
Identifiers: ClinVar variation 1955020 (VCV001955020.5), dbSNP rs1239166497, ClinGen allele CA339533619.

ClinVar aggregate classification (germline): Uncertain significance (1 of 4 stars; one submission).

gnomAD v4.1: 9 of 1,605,660 alleles (0.00056%); highest among the groups gnomAD compares: Non-Finnish European, 0.00051%; no homozygotes.

Submission:

Labcorp Genetics (formerly Invitae), Labcorp
Classification: Uncertain significance. Last evaluated: 2022-03-14. Review status: criteria provided, single submitter. Criteria: Invitae Variant Classification Sherloc (09022015). Collection method: clinical testing. Allele origin: germline.
Comment: In summary, the available evidence is currently insufficient to determine the role of this variant in disease. Therefore, it has been classified as a Variant of Uncertain Significance. Algorithms developed to predict the effect of missense changes on protein structure and function (SIFT, PolyPhen-2, Align-GVGD) all suggest that this variant is likely to be tolerated. This variant has not been reported in the literature in individuals affected with MECR-related conditions. This variant is not present in population databases (gnomAD no frequency). This sequence change replaces threonine, which is neutral and polar, with proline, which is neutral and non-polar, at codon 12 of the MECR protein (p.Thr12Pro).